The following is an entry in ClinVar:

NM_019066.5(MAGEL2):c.1669G>A (p.Ala557Thr)

Gene: MAGEL2 (MAGE family member L2; minus strand). Cytogenetic location: 15q11.2.
Variant type: single nucleotide variant.
Coding change: c.1669G>A on transcript NM_019066.5 (MANE Select); coding-DNA position 1669, G replaced by A.
Protein change: p.Ala557Thr; replaces alanine 557 with threonine.
Molecular consequence: missense variant.
Genome position (GRCh38, 1-based): chr15:23,646,074, C>T on the plus strand (G>A on the coding strand, the complement: MAGEL2 is on the minus strand). VCF-style: chr15-23646074-C-T. GRCh37 (hg19) VCF-style: chr15-23891221-C-T.
Other names: c.1669G>A (NM_019066.4); short protein forms A557T.
Identifiers: ClinVar variation 3713055 (VCV003713055.3).
Genomic context (GRCh38, chr15:23,646,074, plus strand): 5'-GGGCAGACAGTGGGGCAGACAGCGGGGCCGGCAGCACAGGCTGGGGCACCTGCGGGCCAG[C>T]GGGCGGCGCCGCGGGTACCTGCGTAGCAGGTGGGGCCGTAGGCACCTGCGGCGCCGCCTG-3'
Protein context (NP_061939.3, residues 547-567): PATQVPAAPP[Ala557Thr]GPQVPQPVLP

ClinVar aggregate classification (germline): Uncertain significance. Review status: criteria provided, multiple submitters, no conflicts (2 of 4 stars). 2 submissions from 2 submitters: Uncertain significance (2). Last evaluated 2025-03-18.

Conditions:
MAGEL2-related disorder. Also called: MAGEL2-related condition.

Submissions (2):

PreventionGenetics, part of Exact Sciences
Classification: Uncertain significance for MAGEL2-related condition. Last evaluated: 2025-03-18. Review status: criteria provided, single submitter. Criteria: ACMG Guidelines, 2015. Collection method: clinical testing. Allele origin: germline.
Comment: The MAGEL2 c.1669G>A variant is predicted to result in the amino acid substitution p.Ala557Thr. To our knowledge, this variant has not been reported in the literature. This variant is reported in 0.043% of alleles in individuals of European (Finnish) descent in gnomAD; however gnomAD indicates that allele frequency estimates may not be reliable. At this time, the clinical significance of this variant is uncertain due to the absence of conclusive functional and genetic evidence.

Labcorp Genetics (formerly Invitae), Labcorp
Classification: Uncertain significance. Last evaluated: 2024-02-09. Review status: criteria provided, single submitter. Criteria: Invitae Variant Classification Sherloc (09022015). Collection method: clinical testing. Allele origin: germline.
Comment: This sequence change replaces alanine, which is neutral and non-polar, with threonine, which is neutral and polar, at codon 557 of the MAGEL2 protein (p.Ala557Thr). The frequency data for this variant in the population databases is considered unreliable, as metrics indicate poor data quality at this position in the gnomAD database. This variant has not been reported in the literature in individuals affected with MAGEL2-related conditions. Advanced modeling of protein sequence and biophysical properties (such as structural, functional, and spatial information, amino acid conservation, physicochemical variation, residue mobility, and thermodynamic stability) performed at Invitae indicates that this missense variant is not expected to disrupt MAGEL2 protein function with a negative predictive value of 80%. In summary, the available evidence is currently insufficient to determine the role of this variant in disease. Therefore, it has been classified as a Variant of Uncertain Significance.